The following is an entry in ClinVar:

NM_001244710.2(GFPT1):c.*4730G>A

Gene: GFPT1 (glutamine--fructose-6-phosphate transaminase 1; minus strand). Cytogenetic location: 2p13.3.
Variant type: single nucleotide variant.
Coding change: c.*4730G>A on transcript NM_001244710.2 (MANE Select); 4730 bases downstream of the stop codon, G replaced by A.
Molecular consequence: 3 prime UTR variant.
Genome position (GRCh38, 1-based): chr2:69,321,459, C>T on the plus strand (G>A on the coding strand, the complement: GFPT1 is on the minus strand). VCF-style: chr2-69321459-C-T. GRCh37 (hg19) VCF-style: chr2-69548591-C-T.
Other names: c.*4730G>A (NM_002056.4).
Identifiers: ClinVar variation 336801 (VCV000336801.6), dbSNP rs28694003, ClinGen allele CA10615715.
Genomic context (GRCh38, chr2:69,321,459, plus strand): 5'-ACATCAGAAATGTTTACAACTAAAGTAGACATTGATTACATTCTTAGTACAATACAATTT[C>T]TAACATAACTACAAATGTGTATACACTTCAAATATTAGCAAATTGCTTCAAAATGAAATT-3'

ClinVar aggregate classification (germline): Benign. Review status: criteria provided, multiple submitters, no conflicts (2 of 4 stars). 2 submissions from 2 submitters: Benign (2). Last evaluated 2018-01-13.

Conditions:
Congenital myasthenic syndrome 12 (CMS12). Also called: MYASTHENIC SYNDROME, CONGENITAL, WITH TUBULAR AGGREGATES 1; Myasthenia, congenital, 12, with tubular aggregates. Identifiers: Orphanet 353327, Orphanet 590, MedGen C3552335, MONDO:0012518, OMIM 610542.

Allele frequency attached by ClinVar (database versions not stated): 1000 Genomes Project 0.63858; 1000 Genomes Project 30x 0.64522; gnomAD 0.64568 and 0.65218; TOPMed 0.65175.

Submissions (2):

Illumina Laboratory Services, Illumina
Classification: Benign for Congenital myasthenic syndrome 12. Last evaluated: 2018-01-13. Review status: criteria provided, single submitter. Criteria: ICSL Variant Classification Criteria 13 December 2019. Collection method: clinical testing. Allele origin: germline.
Comment: This variant was observed in the ICSL laboratory as part of a predisposition screen in an ostensibly healthy population. It had not been previously curated by ICSL or reported in the Human Gene Mutation Database (HGMD: prior to June 1st, 2018), and was therefore a candidate for classification through an automated scoring system. Utilizing variant allele frequency, disease prevalence and penetrance estimates, and inheritance mode, an automated score was calculated to assess if this variant is too frequent to cause the disease. Based on the score and internal cut-off values, a variant classified as benign is not then subjected to further curation. The score for this variant resulted in a classification of benign for this disease.

Breakthrough Genomics
Classification: Benign. Review status: criteria provided, single submitter. Criteria: ACMG Guidelines, 2015. Collection method: not provided. Allele origin: germline. Inheritance: Autosomal recessive inheritance. Affected: yes.